The following is an entry in ClinVar:

ClinVar aggregate classification (germline): Uncertain significance (1 of 4 stars; one submission).

Conditions:
Retinitis pigmentosa 55 (RP55). Identifiers: Orphanet 791, MedGen C3150808, MONDO:0013312, OMIM 613575.
Bardet-Biedl syndrome 3 (BBS3). Identifiers: Orphanet 110, MedGen C1859564, MONDO:0010832, OMIM 600151.

Submission:

Labcorp Genetics (formerly Invitae), Labcorp
Classification: Uncertain significance for Retinitis pigmentosa 55; Bardet-Biedl syndrome 3. Last evaluated: 2022-07-29. Review status: criteria provided, single submitter. Criteria: Invitae Variant Classification Sherloc (09022015). Collection method: clinical testing. Allele origin: germline.
Comment: This variant results in a copy number gain of the genomic region encompassing exon(s) 3-8 of the ARL6 gene. This region includes the initiator codon of the gene. This copy number gain extends beyond the assayed region for this gene and therefore may encompass additional genes. As the precise location of this event is unknown, it may be in tandem or it may be located elsewhere in the genome. This variant has not been reported in the literature in individuals affected with ARL6-related conditions. Experimental studies and prediction algorithms are not available or were not evaluated, and the functional significance of this variant is currently unknown. In summary, the available evidence is currently insufficient to determine the role of this variant in disease. Therefore, it has been classified as a Variant of Uncertain Significance.

NC_000003.11:g.(?_97486952)_(97510690_?)dup

Gene: ARL6 (ARF like GTPase 6; plus strand). Cytogenetic location: 3q11.2.
Variant type: Duplication.
Identifiers: ClinVar variation 2427562 (VCV002427562.3).